The following is an entry in ClinVar:

ClinVar aggregate classification (germline): Likely benign (0 of 4 stars; one submission).

Conditions:
GFAP-related disorder. Also called: GFAP-related disorders; GFAP-related condition.

gnomAD v4.1: 19 of 1,613,832 alleles (0.0012%); highest among the groups gnomAD compares: Non-Finnish European, 0.0015%; no homozygotes.

Submission:

PreventionGenetics, part of Exact Sciences
Classification: Likely benign for GFAP-related condition. Last evaluated: 2021-09-01. Review status: no assertion criteria provided. Collection method: clinical testing. Allele origin: germline.
Comment: This variant is classified as likely benign based on ACMG/AMP sequence variant interpretation guidelines (Richards et al. 2015 PMID: 25741868, with internal and published modifications).

NM_002055.5(GFAP):c.1171+461G>C

Gene: GFAP (glial fibrillary acidic protein; minus strand). Cytogenetic location: 17q21.31.
Variant type: single nucleotide variant.
Coding change: c.1171+461G>C on transcript NM_002055.5 (MANE Select); 461 bases into the intron after coding-DNA position 1171, G replaced by C.
Molecular consequence: intron variant. On other transcripts: synonymous variant (2), 3 prime UTR variant (1).
Genome position (GRCh38, 1-based): chr17:44,910,154, C>G on the plus strand (G>C on the coding strand, the complement: GFAP is on the minus strand). VCF-style: chr17-44910154-C-G. GRCh37 (hg19) VCF-style: chr17-42987522-C-G.
Other names: c.1278G>C, p.Thr426= (NM_001131019.3, NM_001363846.2); c.*315G>C (NM_001242376.3).
Identifiers: ClinVar variation 3029885 (VCV003029885.2), dbSNP rs958502694, ClinGen allele CA291027163.